The following is an entry in ClinVar:

ClinVar aggregate classification (germline): Uncertain significance. Review status: criteria provided, multiple submitters, no conflicts (2 of 4 stars). 2 submissions from 2 submitters: Uncertain significance (2). Last evaluated 2025-07-28.

Conditions:
Dilated cardiomyopathy 1W (CMD1W). Identifiers: Orphanet 154, MedGen C1969639, MONDO:0012667, OMIM 611407.
Cardiovascular phenotype. Identifiers: MedGen CN230736.

gnomAD v4.1: 5 of 1,613,972 alleles (0.00031%); highest among the groups gnomAD compares: Non-Finnish European, 0.00042%; no homozygotes.

Submissions (2):

Ambry Genetics
Classification: Uncertain significance for Cardiovascular phenotype. Last evaluated: 2025-07-28. Review status: criteria provided, single submitter. Criteria: Ambry Variant Classification Scheme 2023. Collection method: clinical testing. Allele origin: germline.
Comment: The c.622+4C>A intronic variant results from a C to A substitution 4 nucleotides after coding exon 5 in the VCL gene. This nucleotide position is poorly conserved in available vertebrate species. In silico splice site analysis predicts that this alteration will not have any significant effect on splicing. Based on the available evidence, the clinical significance of this variant remains unclear.

Labcorp Genetics (formerly Invitae), Labcorp
Classification: Uncertain significance for Dilated cardiomyopathy 1W. Last evaluated: 2024-10-01. Review status: criteria provided, single submitter. Criteria: Invitae Variant Classification Sherloc (09022015). Collection method: clinical testing. Allele origin: germline.
Comment: This sequence change falls in intron 5 of the VCL gene. It does not directly change the encoded amino acid sequence of the VCL protein. It affects a nucleotide within the consensus splice site. This variant is present in population databases (rs201020802, gnomAD 0.002%). This variant has not been reported in the literature in individuals affected with VCL-related conditions. ClinVar contains an entry for this variant (Variation ID: 657199). Variants that disrupt the consensus splice site are a relatively common cause of aberrant splicing (PMID: 17576681, 9536098). Algorithms developed to predict the effect of sequence changes on RNA splicing suggest that this variant is not likely to affect RNA splicing. In summary, the available evidence is currently insufficient to determine the role of this variant in disease. Therefore, it has been classified as a Variant of Uncertain Significance.

Literature cited by the submitters: PubMed 17576681 (cited by Labcorp Genetics (formerly Invitae), Labcorp); PubMed 9536098 (cited by Labcorp Genetics (formerly Invitae), Labcorp).

NM_014000.3(VCL):c.622+4C>A

Gene: VCL (vinculin; plus strand). Cytogenetic location: 10q22.2.
Variant type: single nucleotide variant.
Coding change: c.622+4C>A on transcript NM_014000.3 (MANE Select); 4 bases into the intron after coding-DNA position 622, C replaced by A.
Molecular consequence: intron variant.
Genome position (GRCh38, 1-based): chr10:74,072,856, C>A. VCF-style: chr10-74072856-C-A. GRCh37 (hg19) VCF-style: chr10-75832614-C-A.
Other names: c.622+4C>A (NM_003373.4).
Identifiers: ClinVar variation 657199 (VCV000657199.7), dbSNP rs201020802, ClinGen allele CA5562811.